The following is an entry in ClinVar:

NM_001130009.3(GEN1):c.1733C>T (p.Ser578Phe)

Gene: GEN1 (GEN1 structure-specific endonuclease; plus strand). Cytogenetic location: 2p24.2.
Variant type: single nucleotide variant.
Coding change: c.1733C>T on transcript NM_001130009.3 (MANE Select); coding-DNA position 1733, C replaced by T.
Protein change: p.Ser578Phe; replaces serine 578 with phenylalanine.
Molecular consequence: missense variant.
Genome position (GRCh38, 1-based): chr2:17,780,945, C>T. VCF-style: chr2-17780945-C-T. GRCh37 (hg19) VCF-style: chr2-17962212-C-T.
Other names: c.1733C>T, p.Ser578Phe (NM_182625.5); short protein forms S578F.
Identifiers: ClinVar variation 1927952 (VCV001927952.5), dbSNP rs750460374, ClinGen allele CA1540823.
Genomic context (GRCh38, chr2:17,780,945, plus strand): 5'-CTGTCAGTAAGTCTCTAATTTCAGAATCTAGTCAACCCAATACCTCATCTCATAATATAT[C>T]CGTGATTGCTGATCTACACTTGAGCACTATTGACTGGGAAGGTACTTCTTTTAGTAATTC-3'
Protein context (NP_001123481.3, residues 568-588): SQPNTSSHNI[Ser578Phe]VIADLHLSTI

ClinVar aggregate classification (germline): Uncertain significance (1 of 4 stars; one submission).

Allele frequency attached by ClinVar (database versions not stated): gnomAD exomes 0.00001; ExAC 0.00003.
gnomAD v4.1: 14 of 1,602,656 alleles (0.00087%); highest among the groups gnomAD compares: South Asian, 0.012%; no homozygotes.

Submission:

Labcorp Genetics (formerly Invitae), Labcorp
Classification: Uncertain significance. Last evaluated: 2023-05-20. Review status: criteria provided, single submitter. Criteria: Invitae Variant Classification Sherloc (09022015). Collection method: clinical testing. Allele origin: germline.
Comment: In summary, the available evidence is currently insufficient to determine the role of this variant in disease. Therefore, it has been classified as a Variant of Uncertain Significance. An algorithm developed to predict the effect of missense changes on protein structure and function (PolyPhen-2) suggests that this variant is likely to be tolerated. ClinVar contains an entry for this variant (Variation ID: 1927952). This variant has not been reported in the literature in individuals affected with GEN1-related conditions. This variant is present in population databases (rs750460374, gnomAD 0.01%). This sequence change replaces serine, which is neutral and polar, with phenylalanine, which is neutral and non-polar, at codon 578 of the GEN1 protein (p.Ser578Phe).